The following is an entry in ClinVar:

NM_001348716.2(KDM6B):c.3995T>A (p.Ile1332Asn)

Genes: KDM6B (lysine demethylase 6B; plus strand), LOC121587574 (Sharpr-MPRA regulatory region 3930; plus strand). Cytogenetic location: 17p13.1.
Variant type: single nucleotide variant.
Coding change: c.3995T>A on transcript NM_001348716.2 (MANE Select); coding-DNA position 3995, T replaced by A.
Protein change: p.Ile1332Asn; replaces isoleucine 1332 with asparagine.
Molecular consequence: missense variant.
Genome position (GRCh38, 1-based): chr17:7,851,528, T>A. VCF-style: chr17-7851528-T-A. GRCh37 (hg19) VCF-style: chr17-7754846-T-A.
Other names: c.3995T>A, p.Ile1332Asn (NM_001080424.2); short protein forms I1332N.
Identifiers: ClinVar variation 3256704 (VCV003256704.1).

ClinVar aggregate classification (germline): Uncertain significance (1 of 4 stars; one submission).

Conditions:
Neurodevelopmental disorder with coarse facies and mild distal skeletal abnormalities. Also called: STOLERMAN NEURODEVELOPMENTAL SYNDROME. Identifiers: MedGen C5193134, MONDO:0032790, OMIM 618505.

Submission:

MVZ Medizinische Genetik Mainz
Classification: Uncertain significance for Neurodevelopmental disorder with coarse facies and mild distal skeletal abnormalities. Last evaluated: 2024-06-14. Review status: criteria provided, single submitter. Criteria: UK Practice Guidelines For Variant Classification V4 01 2020. Collection method: clinical testing. Allele origin: germline. Inheritance: Autosomal dominant inheritance. Affected: yes. Observed: 1 variant allele.
Comment: ACMG Criteria: PM1,PP3_MOD,PM2_SUP